The following is an entry in ClinVar:

ClinVar aggregate classification (germline): Pathogenic. Review status: criteria provided, multiple submitters, no conflicts (2 of 4 stars). 2 submissions from 2 submitters: Pathogenic (2). Last evaluated 2024-05-31.

Conditions:
Primary hyperoxaluria, type II (HP2). Also called: OXALOSIS II; Primary hyperoxaluria type 2; D-GLYCERATE DEHYDROGENASE DEFICIENCY; GLYCERIC ACIDURIA; GLYOXYLATE REDUCTASE/HYDROXYPYRUVATE REDUCTASE DEFICIENCY. Identifiers: Orphanet 416, Orphanet 93599, MedGen C0268165, MONDO:0009824, OMIM 260000. Disease mechanism: loss of function.

Submissions (2):

Natera, Inc.
Classification: Pathogenic for Primary hyperoxaluria type II. Last evaluated: 2024-05-31. Review status: criteria provided, single submitter. Criteria: Natera Variant Classification Schema (03/2026). Collection method: clinical testing. Allele origin: germline.
Comment: The c.287_287+4delGGTAAinsCCC variant in GRHPR is a deletion-insertion (delins) variant predicted to replace one or more nucleotides with a different sequence. This variant is expected to result in nonsense mediated decay, truncation, or a dysfunctional protein product. This variant is rare in the general population with a frequency below the threshold expected for the associated phenotype(s). This variant has been observed in one or more individuals affected with the associated recessive disease, as either homozygous or compound heterozygous with a second variant (PMID: 25644115). Given the available evidence, this variant is classified as Pathogenic.

Rare Kidney Stone Consortium and the Mayo Clinic Hyperoxaluria Center, Mayo Clinic
Classification: Pathogenic for Primary hyperoxaluria, type II. Last evaluated: 2023-10-27. Review status: criteria provided, single submitter. Criteria: ACMG Guidelines, 2015. Collection method: clinical testing. Allele origin: germline. Affected: yes.
Comment: ACMG:PVS1 PM2 PP4

Literature cited by the submitters: PubMed 25644115 (cited by Natera, Inc. and Rare Kidney Stone Consortium and the Mayo Clinic Hyperoxaluria Center, Mayo Clinic).

NM_012203.2(GRHPR):c.287_287+4delinsCCC

Gene: GRHPR (glyoxylate and hydroxypyruvate reductase; plus strand). Cytogenetic location: 9p13.2.
Variant type: Indel.
Coding change: c.287_287+4delinsCCC on transcript NM_012203.2 (MANE Select); coding-DNA position 287 through 4 bases into the intron after coding-DNA position 287, GGTAA replaced by CCC.
Molecular consequence: splice donor variant.
Genome position (GRCh38, 1-based): chr9:37,425,994-37,425,998, GGTAA replaced by CCC. VCF-style: chr9-37425994-GGTAA-CCC. GRCh37 (hg19) VCF-style: chr9-37425991-GGTAA-CCC.
Other names: c.287_287+4delGGTAAinsCCC (NM_012203.1).
Identifiers: ClinVar variation 2664102 (VCV002664102.2), dbSNP rs2489234631, ClinGen allele CA2695201572.